The following is an entry in ClinVar:

NM_020937.4(FANCM):c.4210C>T (p.His1404Tyr)

Gene: FANCM (FA complementation group M; plus strand). Cytogenetic location: 14q21.2.
Variant type: single nucleotide variant.
Coding change: c.4210C>T on transcript NM_020937.4 (MANE Select); coding-DNA position 4210, C replaced by T.
Protein change: p.His1404Tyr; replaces histidine 1404 with tyrosine.
Molecular consequence: missense variant.
Genome position (GRCh38, 1-based): chr14:45,176,964, C>T. VCF-style: chr14-45176964-C-T. GRCh37 (hg19) VCF-style: chr14-45646167-C-T.
Other names: c.4132C>T, p.His1378Tyr (NM_001308133.2); short protein forms H1378Y, H1404Y.
Identifiers: ClinVar variation 3572292 (VCV003572292.1).

ClinVar aggregate classification (germline): Uncertain significance (1 of 4 stars; one submission).

Submission:

Quest Diagnostics Nichols Institute San Juan Capistrano
Classification: Uncertain significance. Last evaluated: 2024-08-09. Review status: criteria provided, single submitter. Criteria: Quest Diagnostics criteria. Collection method: clinical testing. Allele origin: unknown.
Comment: The FANCM c.4210C>T (p.His1404Tyr) variant has not been reported in individuals with FANCM-related conditions in the published literature. It also has not been reported in large, multi-ethnic general populations (Genome Aggregation Database). Analysis of this variant using bioinformatics tools for the prediction of the effect of amino acid changes on protein structure and function yielded predictions that this variant is benign. Based on the available information, we are unable to determine the clinical significance of this variant.